The following is an entry in ClinVar:

ClinVar aggregate classification (germline): Likely pathogenic (1 of 4 stars; one submission).

Conditions:
Retinitis pigmentosa 25 (RP25). Identifiers: Orphanet 791, MedGen C1864446, MONDO:0011272, OMIM 602772.

Submission:

Natera, Inc.
Classification: Likely pathogenic for Retinitis pigmentosa type 25. Last evaluated: 2025-07-17. Review status: criteria provided, single submitter. Criteria: Natera Variant Classification Schema (03/2026). Collection method: clinical testing. Allele origin: germline.
Comment: The c.5143_5150del variant in EYS is a frameshift variant predicted to shift the reading frame beginning at codon 1715 and leads to a stop codon 12 codons downstream. This variant is expected to result in nonsense mediated decay, truncation, or a dysfunctional protein product. This variant is rare in the general population with a frequency below the threshold expected for the associated phenotype(s). Given the available evidence, this variant is classified as Likely Pathogenic.

NM_001142800.2(EYS):c.5143_5150del (p.Glu1715fs)

Gene: EYS (EGF-like photoreceptor maintenance factor; minus strand). Cytogenetic location: 6q12.
Variant type: Deletion.
Coding change: c.5143_5150del on transcript NM_001142800.2 (MANE Select); coding-DNA positions 5143 to 5150, 8 bases deleted (GAGGTACT; older notation c.5143_5150delGAGGTACT).
Protein change: p.Glu1715fs; shifts the reading frame from glutamic acid 1715.
Molecular consequence: frameshift variant.
Genome position (GRCh38, 1-based): chr6:64,590,717-64,590,724, AGTACCTC deleted on the plus strand (GAGGTACT on the coding strand, the reverse complement: EYS is on the minus strand); deleting any 8 consecutive bases within chr6:64,590,717-64,590,727 gives the same sequence; the c. name uses the placement nearest the transcript's 3' end. VCF-style (leftmost placement, unchanged base first): chr6-64590716-TAGTACCTC-T. GRCh37 (hg19) VCF-style: chr6-65300609-TAGTACCTC-T.
Other names: c.5143_5150del, p.Glu1715fs (NM_001292009.2); short protein forms E1715fs.
Identifiers: ClinVar variation 4814645 (VCV004814645.1).